The following continues an entry in ClinVar:

NM_003119.4(SPG7):c.1450-1_1457del

Gene: SPG7. ClinVar aggregate classification (germline): Pathogenic. Pathogenic (30).

Submissions 12 to 31 of 40:

Neurometabolic Diseases Laboratory, Bellvitge Biomedical Research Institute (IDIBELL)
Classification: Pathogenic for Hereditary spastic paraplegia 7. Last evaluated: 2023-04-27. Review status: criteria provided, single submitter. Criteria: ACMG Guidelines, 2015. Collection method: research. Allele origin: germline. Affected: yes.

Department of Pathology and Laboratory Medicine, Sinai Health System
Classification: Pathogenic for Hereditary spastic paraplegia 7. Last evaluated: 2022-12-13. Review status: criteria provided, single submitter. Criteria: ACMG Guidelines, 2015. Collection method: research. Allele origin: germline.

Institute for Medical Genetics and Human Genetics, Charité - Universitätsmedizin Berlin
Classification: Pathogenic for Hereditary spastic paraplegia 7. Last evaluated: 2022-09-22. Review status: criteria provided, single submitter. Criteria: ACMG Guidelines, 2015. Collection method: clinical testing. Allele origin: germline. Inheritance: Autosomal recessive inheritance. Affected: yes. Observed: 1 compound heterozygote.

3billion
Classification: Pathogenic for Hereditary spastic paraplegia 7. Last evaluated: 2022-09-01. Review status: criteria provided, single submitter. Criteria: ACMG Guidelines, 2015. Collection method: clinical testing. Allele origin: germline. Affected: yes. Observed: 1 heterozygote.
Comment: The variant is observed at an extremely low frequency in the gnomAD v2.1.1 dataset (total allele frequency: 0.028%). Canonical splice site is predicted to alter splicing and result in a loss or disruption of normal protein function. Multiple pathogenic loss-of-function variants are reported downstream of the variant. The variant is in trans with the other pathogenic variant. The variant has been reported at least twice as pathogenic with clinical assertions and evidence for the classification (ClinVar ID: VCV000411680 / PMID: 11222789 / 3billion dataset). Therefore, this variant is classified as Pathogenic according to the recommendation of ACMG/AMP guideline.

Clinical Genetics Laboratory, Skane University Hospital Lund
Classification: Pathogenic. Last evaluated: 2022-07-13. Review status: criteria provided, single submitter. Criteria: ACMG Guidelines, 2015. Collection method: clinical testing. Allele origin: germline. Affected: yes.

PROSPAX: an integrated multimodal progression  chart in spastic ataxias, Center for Neurology; Hertie-Institute for Clinical Brain Research
Classification: Pathogenic for Hereditary spastic paraplegia 7. Last evaluated: 2022-01-01. Review status: criteria provided, single submitter. Criteria: ACMG Guidelines, 2015. Collection method: research. Allele origin: germline. Affected: yes. Observed: 17 variant alleles, 12 compound heterozygotes, 5 homozygotes.

Institute of Human Genetics, University of Leipzig Medical Center
Classification: Pathogenic for Hereditary spastic paraplegia 7. Last evaluated: 2021-09-13. Review status: criteria provided, single submitter. Criteria: ACMG Guidelines, 2015. Collection method: clinical testing. Allele origin: unknown. Affected: yes.

Institute of Medical Genetics and Applied Genomics, University Hospital Tübingen
Classification: Pathogenic. Last evaluated: 2020-10-23. Review status: criteria provided, single submitter. Criteria: ACMG Guidelines, 2015. Collection method: clinical testing. Allele origin: germline. Inheritance: Unknown mechanism. Affected: yes.

Athena Diagnostics
Classification: Pathogenic. Last evaluated: 2020-09-21. Review status: criteria provided, single submitter. Criteria: Athena Diagnostics criteria. Collection method: clinical testing. Allele origin: unknown.
Comment: The frequency of this variant in the general population is consistent with pathogenicity. In some published literature, this variant is referred to as c.1450_1458del or c.1450-1_1457del. Pathogenic variants in the SPG7 gene classically exhibit an autosomal recessive mode of disease inheritance, however there is also evidence for autosomal dominant transmission in some families. Consistent with this, some individuals carrying this variant in the heterozygous state display a late onset and/or mild disease (PMID: 11222789, 23065789, 31068484). In multiple individuals, this variant has been seen with a single recessive pathogenic variant in the same gene, suggesting this variant may also be pathogenic. The variant is located in a region that is considered important for protein function and/or structure.

CENTOGENE GmbH and LLC - Guiding Precision Medicine
Classification: Pathogenic for Hereditary spastic paraplegia 7. Last evaluated: 2020-06-26. Review status: criteria provided, single submitter. Criteria: ACMG Guidelines, 2015. Collection method: clinical testing. Allele origin: germline. Affected: yes.

Laboratory for Molecular Medicine, Mass General Brigham Personalized Medicine
Classification: Pathogenic for Hereditary spastic paraplegia. Last evaluated: 2020-06-26. Review status: criteria provided, single submitter. Criteria: LMM Criteria. Collection method: clinical testing. Allele origin: germline. Inheritance: Autosomal recessive inheritance. Observed: 1 variant allele.
Comment: The p.Arg485_Glu487 del variant in SPG7 is a common pathogenic variant in spastic paraplegia type 7 and it has been reported in the homozygous or compound heterozygous state with another SPG7 pathogenic variant in over 20 individuals with spastic paraplegia (McDermott 2001 PMID: 11222789, van Gassen 2012 PMID: 22964162, Klebe 2012 PMID: 23065789, Pfeffer 2014 PMID: 24727571, van de Warrenburg 2016 PMID: 27165006, Gass 2017 PMID: 29026558, Hewamadduma 2018 PMID: 30533525, Sun 2019 PMID: 29915382, Ngo 2019 PMID: 31692161). This variant also segregated with disease in 4 affected relatives from 4 families (van Gassen PMID: 22964162). This variant has also been reported by other clinical laboratories in ClinVar (Variation ID: 411680) and has been identified in 0.08% (20/25116) of Finnish chromosomes and 0.04% (55/129114) of European chromosomes by gnomAD. This variant is a deletion of 3 amino acids at position 485 and is not predicted to alter the protein reading-frame. In summary, this variant meets criteria to be classified as pathogenic for autosomal recessive spastic paraplegia type 7. ACMG/AMP Criteria applied: PM3_VeryStrong, PM4, PP1_Strong.

Institute of Human Genetics Munich, TUM University Hospital
Classification: Pathogenic for Hereditary spastic paraplegia 7. Last evaluated: 2019-06-11. Review status: criteria provided, single submitter. Criteria: Classification criteria August 2017. Collection method: clinical testing. Allele origin: germline. Inheritance: Autosomal recessive inheritance. Affected: yes. Observed: 1 variant allele.

Genome Diagnostics Laboratory, The Hospital for Sick Children
Classification: Pathogenic for Hereditary spastic paraplegia. Last evaluated: 2018-07-01. Review status: criteria provided, single submitter. Criteria: ACMG Guidelines, 2015. Collection method: clinical testing. Allele origin: germline. Affected: yes.

GeneDx
Classification: Pathogenic. Last evaluated: 2017-10-17. Review status: criteria provided, single submitter. Criteria: GeneDx Variant Classification (06012015). Collection method: clinical testing. Allele origin: germline. Affected: yes.
Comment: The c.1454_1462delGGCGGGAGA (also reported as c.1450_1458del due to alternativenomenclature) in the SPG7 gene has been reported previously in association with spastic paraplegia. Most affectedindividuals were homozygous or compound heterozyogous for SPG7 variants and had typical features of spasticparaplegia 7 (McDermott et al., 2001; van Gassen et al., 2012; Klebe et al., 2012). When reported in theheterozygous state, some individuals had a later onset and milder presentation, sometimes with a cerebellar phenotypewithout spasticity (McDermott et al., 2001; Klebe et al., 2012). The c.1454_1462delGGCGGGAGA variant resultsin an in-frame deletion of three amino acid residues from the resulting protein starting with codon Arginine 485 andending with codon Glutamine 487, denoted p.Arg485_Glu487del. The c.1454_1462delGGCGGGAGA variant wasobserved in approximately 0.15% (12/8254 alleles) in individuals of European ancestry in the NHLBI ExomeSequencing Project. Therefore, we interpret c.1454_1462delGGCGGGAGA variant as a pathogenic variant.

Unit for Genetic & Epidemiological Research on Neurological Disorders, Instituto de Investigação e Inovação em Saúde
Classification: Pathogenic for Hereditary spastic paraplegia. Last evaluated: 2017-03-07. Review status: criteria provided, single submitter. Criteria: Morais et al. (Eur J Hum Genet. 2017). Collection method: research. Allele origin: inherited. Affected: yes.

Centre for Mendelian Genomics, University Medical Centre Ljubljana
Classification: Pathogenic for Cerebral cortical atrophy; Dysarthria; Gait ataxia; Spastic paraparesis. Last evaluated: 2017-01-01. Review status: criteria provided, single submitter. Criteria: ACMG Guidelines, 2015. Collection method: clinical testing. Allele origin: unknown. Affected: yes.

Centre for Mendelian Genomics, University Medical Centre Ljubljana
Classification: Pathogenic for Gait ataxia; Memory impairment; Seizure; Spastic paraplegia. Last evaluated: 2017-01-01. Review status: criteria provided, single submitter. Criteria: ACMG Guidelines, 2015. Collection method: clinical testing. Allele origin: unknown. Affected: yes.

Ambry Genetics
Classification: Pathogenic for Hereditary disease. Last evaluated: 2016-07-18. Review status: criteria provided, single submitter. Criteria: ambry_reporting_categories_2017. Collection method: clinical testing. Allele origin: germline. Affected: yes. Observed: 1 heterozygote. Segregation with disease observed.
Comment: Lines of evidence used in support of classification: POSITIVE: Relevant Alteration(s) Detected

Paris Brain Institute, Inserm - ICM
Classification: Pathogenic for Hereditary spastic paraplegia 7. Review status: criteria provided, single submitter. Criteria: ACMG Guidelines, 2015. Collection method: clinical testing. Allele origin: unknown. Affected: yes. Observed: 8 variant alleles.

Solve-RD Consortium
Classification: Likely pathogenic for Hereditary spastic paraplegia 7. Last evaluated: 2022-06-01. Review status: no assertion criteria provided. Collection method: provider interpretation. Allele origin: inherited. Affected: yes. Observed: 2 variant alleles. Not counted in ClinVar's aggregate classification.
Comment: Variant confirmed as disease-causing by referring clinical team

Variant identified during reanalysis of unsolved cases by the Solve-RD project. The Solve-RD project has received funding from the European Union’s Horizon 2020 research and innovation programme under grant agreement No 779257.